The following is an entry in ClinVar:

ClinVar aggregate classification (germline): Uncertain significance (1 of 4 stars; one submission).

Submission:

Labcorp Genetics (formerly Invitae), Labcorp
Classification: Uncertain significance. Last evaluated: 2022-06-05. Review status: criteria provided, single submitter. Criteria: Invitae Variant Classification Sherloc (09022015). Collection method: clinical testing. Allele origin: germline.
Comment: This sequence change replaces serine, which is neutral and polar, with glycine, which is neutral and non-polar, at codon 722 of the TCF20 protein (p.Ser722Gly). Information on the frequency of this variant in the gnomAD database is not available, as this variant may be reported differently in the database. This variant has not been reported in the literature in individuals affected with TCF20-related conditions. ClinVar contains an entry for this variant (Variation ID: 1364381). Experimental studies and prediction algorithms are not available or were not evaluated, and the functional significance of this variant is currently unknown. In summary, the available evidence is currently insufficient to determine the role of this variant in disease. Therefore, it has been classified as a Variant of Uncertain Significance.

NM_001378418.1(TCF20):c.2163_2164inv (p.Ser722Gly)

Gene: TCF20 (transcription factor 20; minus strand). Cytogenetic location: 22q13.2.
Variant type: Inversion.
Coding change: c.2163_2164inv on transcript NM_001378418.1 (MANE Select).
Protein change: p.Ser722Gly; replaces serine 722 with glycine.
Molecular consequence: missense variant.
Genome position: GRCh38 VCF-style: chr22-42213142-TG-CA. GRCh37 (hg19) VCF-style: chr22-42609148-TG-CA.
Other names: c.2163_2164inv, p.Ser722Gly (NM_005650.4, NM_181492.3); short protein forms S722G.
Identifiers: ClinVar variation 1364381 (VCV001364381.5), ClinGen allele CA2573158193.